The following is an entry in ClinVar:

ClinVar aggregate classification (germline): Likely benign (0 of 4 stars; one submission).

Conditions:
EIF4A3-related disorder. Also called: EIF4A3-related condition.

Allele frequency attached by ClinVar (database versions not stated): ExAC 0.00002; TOPMed 0.00005; gnomAD 0.00006; ESP Exome Variant Server 0.00008; gnomAD exomes 0.00012.
gnomAD v4.1: 185 of 1,613,854 alleles (0.011%); highest among the groups gnomAD compares: Non-Finnish European, 0.015%; no homozygotes.

Submission:

PreventionGenetics, part of Exact Sciences
Classification: Likely benign for EIF4A3-related condition. Last evaluated: 2020-02-14. Review status: no assertion criteria provided. Collection method: clinical testing. Allele origin: germline.
Comment: This variant is classified as likely benign based on ACMG/AMP sequence variant interpretation guidelines (Richards et al. 2015 PMID: 25741868, with internal and published modifications).

NM_014740.4(EIF4A3):c.555T>G (p.Val185=)

Gene: EIF4A3 (eukaryotic translation initiation factor 4A3; minus strand). Cytogenetic location: 17q25.3.
Variant type: single nucleotide variant.
Coding change: c.555T>G on transcript NM_014740.4 (MANE Select); coding-DNA position 555, T replaced by G.
Protein change: p.Val185=; no amino-acid change (valine 185 retained).
Molecular consequence: synonymous variant.
Genome position (GRCh38, 1-based): chr17:80,139,701, A>C on the plus strand (T>G on the coding strand, the complement: EIF4A3 is on the minus strand). VCF-style: chr17-80139701-A-C. GRCh37 (hg19) VCF-style: chr17-78113500-A-C.
Other names: c.492T>G, p.Val164= (NM_001411099.1).
Identifiers: ClinVar variation 3052121 (VCV003052121.2), dbSNP rs139315570, ClinGen allele CA8816102.